The following is an entry in ClinVar:

NM_016648.4(LARP7):c.1358del (p.Ser453fs)

Gene: LARP7 (La ribonucleoprotein 7, transcriptional regulator; plus strand). Cytogenetic location: 4q25.
Variant type: Deletion.
Coding change: c.1358del on transcript NM_016648.4 (MANE Select); coding-DNA position 1358, one base deleted (G; older notation c.1358delG).
Protein change: p.Ser453fs; shifts the reading frame from serine 453.
Molecular consequence: frameshift variant.
Genome position (GRCh38, 1-based): chr4:112,650,524, G deleted. VCF-style (leftmost placement, unchanged base first): chr4-112650523-AG-A. GRCh37 (hg19) VCF-style: chr4-113571679-AG-A.
Other names: c.1358del, p.Ser453fs (NM_001267039.4, NM_001370978.1, NM_015454.3); c.1397del, p.Ser466fs (NM_001370974.1, NM_001370975.1); c.1394del, p.Ser465fs (NM_001370976.1, NM_001370977.1); c.1355del, p.Ser452fs (NM_001370979.1, NM_001370980.1); c.1121del, p.Ser374fs (NM_001370981.1, NM_001370982.1); short protein forms S374fs, S453fs, S452fs, S466fs, S465fs.
Identifiers: ClinVar variation 1458164 (VCV001458164.6), dbSNP rs2149278721, ClinGen allele CA2573138017.

ClinVar aggregate classification (germline): Pathogenic (1 of 4 stars; one submission).

Submission:

Labcorp Genetics (formerly Invitae), Labcorp
Classification: Pathogenic. Last evaluated: 2021-06-30. Review status: criteria provided, single submitter. Criteria: Invitae Variant Classification Sherloc (09022015). Collection method: clinical testing. Allele origin: germline.
Comment: This sequence change creates a premature translational stop signal (p.Ser453Metfs*3) in the LARP7 gene. It is expected to result in an absent or disrupted protein product. Loss-of-function variants in LARP7 are known to be pathogenic (PMID: 22865833, 26374271, 26607181). This variant is not present in population databases (ExAC no frequency). This variant has not been reported in the literature in individuals affected with LARP7-related conditions. For these reasons, this variant has been classified as Pathogenic.

Literature cited by the submitters: PubMed 22865833; PubMed 26374271; PubMed 26607181.